The following is an entry in ClinVar:

ClinVar aggregate classification (germline): Uncertain significance (1 of 4 stars; one submission).

gnomAD v4.1: 1 of 1,614,126 alleles (0.000062%); highest among the groups gnomAD compares: Non-Finnish European, 0.000085%; no homozygotes.

Submission:

Labcorp Genetics (formerly Invitae), Labcorp
Classification: Uncertain significance. Last evaluated: 2025-06-03. Review status: criteria provided, single submitter. Criteria: Invitae Variant Classification Sherloc (09022015). Collection method: clinical testing. Allele origin: germline.
Comment: This sequence change replaces aspartic acid, which is acidic and polar, with glutamic acid, which is acidic and polar, at codon 707 of the ADGRA3 protein (p.Asp707Glu). This variant is not present in population databases (gnomAD no frequency). This variant has not been reported in the literature in individuals affected with ADGRA3-related conditions. An algorithm developed to predict the effect of missense changes on protein structure and function (PolyPhen-2) suggests that this variant is likely to be tolerated. In summary, the available evidence is currently insufficient to determine the role of this variant in disease. Therefore, it has been classified as a Variant of Uncertain Significance.

NM_145290.4(ADGRA3):c.2121T>A (p.Asp707Glu)

Gene: ADGRA3 (adhesion G protein-coupled receptor A3; minus strand). Cytogenetic location: 4p15.2.
Variant type: single nucleotide variant.
Coding change: c.2121T>A on transcript NM_145290.4 (MANE Select); coding-DNA position 2121, T replaced by A.
Protein change: p.Asp707Glu; replaces aspartic acid 707 with glutamic acid.
Molecular consequence: missense variant.
Genome position (GRCh38, 1-based): chr4:22,413,293, A>T on the plus strand (T>A on the coding strand, the complement: ADGRA3 is on the minus strand). VCF-style: chr4-22413293-A-T. GRCh37 (hg19) VCF-style: chr4-22414916-A-T.
Other names: short protein forms D707E.
Identifiers: ClinVar variation 4699815 (VCV004699815.1).